The following is an entry in ClinVar:

ClinVar aggregate classification (germline): Pathogenic (1 of 4 stars; one submission).

Submission:

Labcorp Genetics (formerly Invitae), Labcorp
Classification: Pathogenic. Last evaluated: 2023-08-16. Review status: criteria provided, single submitter. Criteria: Invitae Variant Classification Sherloc (09022015). Collection method: clinical testing. Allele origin: germline.
Comment: For these reasons, this variant has been classified as Pathogenic. The region of the PHEX gene that includes exon(s) 22 has been determined to be clinically significant (PMID: 19513579). Therefore, deletions that encompass that region are likely to be disease-causing. A similar copy number variant has been observed in individual(s) with hypophosphatemic rickets (PMID: 21902834). This variant is a gross deletion of the genomic region encompassing exon(s) 13-22 of the PHEX gene, which includes the termination codon. This deletion extends beyond the assayed region for this gene and therefore may encompass additional genes. While this deletion is not anticipated to lead to nonsense mediated decay, it is expected to alter mRNA translation or result in a truncated protein product.

Literature cited by the submitters: PubMed 19513579; PubMed 21902834.

NC_000023.10:g.(?_22186409)_(22266301_?)del

Gene: PHEX (phosphate regulating endopeptidase X-linked; plus strand). Cytogenetic location: Xp22.11.
Variant type: Deletion.
Identifiers: ClinVar variation 1075729 (VCV001075729.8).